The following is an entry in ClinVar:

NM_001089.3(ABCA3):c.4765C>T (p.Gln1589Ter)

Gene: ABCA3 (ATP binding cassette subfamily A member 3; minus strand). Cytogenetic location: 16p13.3.
Variant type: single nucleotide variant.
Coding change: c.4765C>T on transcript NM_001089.3 (MANE Select); coding-DNA position 4765, C replaced by T.
Protein change: p.Gln1589Ter; replaces glutamine 1589 with a stop codon.
Molecular consequence: nonsense.
Genome position (GRCh38, 1-based): chr16:2,278,023, G>A on the plus strand (C>T on the coding strand, the complement: ABCA3 is on the minus strand). VCF-style: chr16-2278023-G-A. GRCh37 (hg19) VCF-style: chr16-2328024-G-A.
Other names: short protein forms Q1589*.
Identifiers: ClinVar variation 3630012 (VCV003630012.1).

ClinVar aggregate classification (germline): Pathogenic (1 of 4 stars; one submission).

Conditions:
Interstitial lung disease due to ABCA3 deficiency. Also called: PULMONARY ALVEOLAR PROTEINOSIS, CONGENITAL, 3. Identifiers: Orphanet 440402, MedGen C1970456, MONDO:0012582, OMIM 610921.

Submission:

Women's Health and Genetics/Laboratory Corporation of America, LabCorp
Classification: Pathogenic for Interstitial lung disease due to ABCA3 deficiency. Last evaluated: 2024-11-19. Review status: criteria provided, single submitter. Criteria: LabCorp Variant Classification Summary - May 2015. Collection method: clinical testing. Allele origin: germline.
Comment: Variant summary: ABCA3 c.4765C>T (p.Gln1589X) results in a premature termination codon, predicted to cause a truncation of the encoded protein or absence of the protein due to nonsense mediated decay, which are commonly known mechanisms for disease. The frequency data for this variant in gnomAD is considered unreliable, as metrics indicate poor data quality at this position. c.4765C>T has been reported in the literature in the presumed compound heterozygous state in at least 1 individual affected with Pulmonary surfactant metabolism dysfunction (example Jackson_2015). No submitters have cited clinical-significance assessments for this variant to ClinVar. Based on the evidence outlined above, the variant was classified as pathogenic.

Literature cited by the submitters: PubMed 25712598.